The following is an entry in ClinVar:

NM_006343.3(MERTK):c.1802_1808del (p.Val601fs)

Gene: MERTK (MER proto-oncogene, tyrosine kinase; plus strand). Cytogenetic location: 2q13.
Variant type: Deletion.
Coding change: c.1802_1808del on transcript NM_006343.3 (MANE Select); coding-DNA positions 1802 to 1808, 7 bases deleted (TAATGGA; older notation c.1802_1808delTAATGGA).
Protein change: p.Val601fs; shifts the reading frame from valine 601.
Molecular consequence: frameshift variant.
Genome position (GRCh38, 1-based): chr2:112,003,919-112,003,925, TAATGGA deleted. VCF-style (leftmost placement, unchanged base first): chr2-112003918-GTAATGGA-G. GRCh37 (hg19) VCF-style: chr2-112761495-GTAATGGA-G.
Other names: short protein forms V601fs.
Identifiers: ClinVar variation 2869437 (VCV002869437.3), dbSNP rs2466880893, ClinGen allele CA428274877.

ClinVar aggregate classification (germline): Pathogenic (1 of 4 stars; one submission).

Submission:

Labcorp Genetics (formerly Invitae), Labcorp
Classification: Pathogenic. Last evaluated: 2023-12-22. Review status: criteria provided, single submitter. Criteria: Invitae Variant Classification Sherloc (09022015). Collection method: clinical testing. Allele origin: germline.
Comment: This sequence change creates a premature translational stop signal (p.Val601Glufs*12) in the MERTK gene. It is expected to result in an absent or disrupted protein product. Loss-of-function variants in MERTK are known to be pathogenic (PMID: 24265693, 29659094). This variant is not present in population databases (gnomAD no frequency). This variant has not been reported in the literature in individuals affected with MERTK-related conditions. Algorithms developed to predict the effect of sequence changes on RNA splicing suggest that this variant may disrupt the consensus splice site. For these reasons, this variant has been classified as Pathogenic.

Literature cited by the submitters: PubMed 24265693; PubMed 29659094.